The following is an entry in ClinVar:

ClinVar aggregate classification (germline): Uncertain significance (1 of 4 stars; one submission).

Conditions:
Cardiovascular phenotype. Identifiers: MedGen CN230736.

Submission:

Ambry Genetics
Classification: Uncertain significance for Cardiovascular phenotype. Last evaluated: 2021-03-19. Review status: criteria provided, single submitter. Criteria: Ambry Variant Classification Scheme 2023. Collection method: clinical testing. Allele origin: germline.
Comment: The p.G99E variant (also known as c.296G>A), located in coding exon 2 of the PKP2 gene, results from a G to A substitution at nucleotide position 296. The glycine at codon 99 is replaced by glutamic acid, an amino acid with similar properties. This amino acid position is not well conserved in available vertebrate species. In addition, this alteration is predicted to be tolerated by in silico analysis. Since supporting evidence is limited at this time, the clinical significance of this alteration remains unclear.

NM_001005242.3(PKP2):c.296G>A (p.Gly99Glu)

Gene: PKP2 (plakophilin 2; minus strand). Cytogenetic location: 12p11.21.
Variant type: single nucleotide variant.
Coding change: c.296G>A on transcript NM_001005242.3 (MANE Select); coding-DNA position 296, G replaced by A.
Protein change: p.Gly99Glu; replaces glycine 99 with glutamic acid.
Molecular consequence: missense variant.
Genome position (GRCh38, 1-based): chr12:32,878,960, C>T on the plus strand (G>A on the coding strand, the complement: PKP2 is on the minus strand). VCF-style: chr12-32878960-C-T. GRCh37 (hg19) VCF-style: chr12-33031894-C-T.
Other names: c.296G>A, p.Gly99Glu (NM_001407155.1, NM_001407156.1, NM_001407157.1 and 2 more transcripts); c.-32G>A (NM_001407158.1, NM_001407159.1, NM_001407160.1 and 1 more transcripts); short protein forms G99E.
Identifiers: ClinVar variation 1798267 (VCV001798267.2), dbSNP rs866409716, ClinGen allele CA235267394.